The following is an entry in ClinVar:

ClinVar aggregate classification (germline): Benign (1 of 4 stars; one submission).

Conditions:
Leigh syndrome (NULS). Also called: Leigh's necrotizing encephalopathy; Leigh's disease; Leigh Syndrome (mtDNA deletion); Leigh Disease; Subacute necrotizing encephalopathy; Necrotizing encephalopathy infantile subacute of Leigh. Identifiers: Orphanet 506, MedGen C2931891, MONDO:0009723, OMIM 256000.

Submission:

Wong Mito Lab, Molecular and Human Genetics, Baylor College of Medicine
Classification: Benign for Leigh syndrome. Last evaluated: 2019-10-17. Review status: criteria provided, single submitter. Criteria: Modified ACMG Guidelines (Unpublished). Collection method: clinical testing. Allele origin: germline.
Comment: The NC_012920.1:m.9777G>A (YP_003024032.1:p.Gly191Ser) variant in MTCO3 gene is interpretated to be a Benign variant based on the modified ACMG guidelines (unpublished). This variant meets the following evidence codes: BS1, BS2

NC_012920.1(MT-CO3):m.9777G>A

Gene: MT-CO3 (mitochondrially encoded cytochrome c oxidase III; plus strand).
Variant type: single nucleotide variant.
Genome position: chrM-9777-G-A.
Identifiers: ClinVar variation 693225 (VCV000693225.1), dbSNP rs1556423722, ClinGen allele CA414803690.